The following is an entry in ClinVar:

NM_000186.4(CFH):c.3125C>G (p.Thr1042Arg)

Gene: CFH (complement factor H; plus strand). Cytogenetic location: 1q31.3.
Variant type: single nucleotide variant.
Coding change: c.3125C>G on transcript NM_000186.4 (MANE Select); coding-DNA position 3125, C replaced by G.
Protein change: p.Thr1042Arg; replaces threonine 1042 with arginine.
Molecular consequence: missense variant.
Genome position (GRCh38, 1-based): chr1:196,742,043, C>G. VCF-style: chr1-196742043-C-G. GRCh37 (hg19) VCF-style: chr1-196711173-C-G.
Other names: short protein forms T1042R.
Identifiers: ClinVar variation 1463593 (VCV001463593.8), dbSNP rs1652824620, ClinGen allele CA343982265.

ClinVar aggregate classification (germline): Uncertain significance (1 of 4 stars; one submission).

gnomAD v4.1: 1 of 1,614,032 alleles (0.000062%); highest among the groups gnomAD compares: Non-Finnish European, 0.000085%; no homozygotes.

Submission:

Labcorp Genetics (formerly Invitae), Labcorp
Classification: Uncertain significance. Last evaluated: 2021-05-18. Review status: criteria provided, single submitter. Criteria: Invitae Variant Classification Sherloc (09022015). Collection method: clinical testing. Allele origin: germline.
Comment: In summary, the available evidence is currently insufficient to determine the role of this variant in disease. Therefore, it has been classified as a Variant of Uncertain Significance. Algorithms developed to predict the effect of missense changes on protein structure and function are either unavailable or do not agree on the potential impact of this missense change (SIFT: "Deleterious"; PolyPhen-2: "Benign"; Align-GVGD: "Class C0"). This variant has not been reported in the literature in individuals with CFH-related conditions. This variant is not present in population databases (ExAC no frequency). This sequence change replaces threonine with arginine at codon 1042 of the CFH protein (p.Thr1042Arg). The threonine residue is weakly conserved and there is a moderate physicochemical difference between threonine and arginine.